The following is an entry in ClinVar:

NM_004434.3(EML1):c.2007G>C (p.Ser669=)

Gene: EML1 (EMAP like 1; plus strand). Cytogenetic location: 14q32.2.
Variant type: single nucleotide variant.
Coding change: c.2007G>C on transcript NM_004434.3 (MANE Select); coding-DNA position 2007, G replaced by C.
Protein change: p.Ser669=; no amino-acid change (serine 669 retained).
Molecular consequence: synonymous variant.
Genome position (GRCh38, 1-based): chr14:99,936,126, G>C. VCF-style: chr14-99936126-G-C. GRCh37 (hg19) VCF-style: chr14-100402463-G-C.
Other names: c.2064G>C, p.Ser688= (NM_001008707.2); c.1968G>C, p.Ser656= (NM_001375411.1); c.1875G>C, p.Ser625= (NM_001375412.1); c.2025G>C, p.Ser675= (NM_001440375.1); c.1893G>C, p.Ser631= (NM_001440376.1); c.1836G>C, p.Ser612= (NM_001440377.1).
Identifiers: ClinVar variation 4770906 (VCV004770906.1).

ClinVar aggregate classification (germline): Uncertain significance (1 of 4 stars; one submission).

Submission:

Labcorp Genetics (formerly Invitae), Labcorp
Classification: Uncertain significance. Last evaluated: 2025-10-27. Review status: criteria provided, single submitter. Criteria: Invitae Variant Classification Sherloc (09022015). Collection method: clinical testing. Allele origin: germline.
Comment: This sequence change affects codon 669 of the EML1 mRNA. It is a 'silent' change, meaning that it does not change the encoded amino acid sequence of the EML1 protein. This variant also falls at the last nucleotide of exon 18, which is part of the consensus splice site for this exon. This variant is not present in population databases (gnomAD no frequency). This variant has not been reported in the literature in individuals affected with EML1-related conditions. Variants that disrupt the consensus splice site are a relatively common cause of aberrant splicing (PMID: 17576681, 9536098). Algorithms developed to predict the effect of sequence changes on RNA splicing suggest that this variant may disrupt the consensus splice site. In summary, the available evidence is currently insufficient to determine the role of this variant in disease. Therefore, it has been classified as a Variant of Uncertain Significance.

Literature cited by the submitters: PubMed 17576681; PubMed 9536098.